The following is an entry in ClinVar:

NM_000051.4(ATM):c.9014T>A (p.Val3005Glu)

Genes: ATM (ATM serine/threonine kinase; plus strand), C11orf65 (chromosome 11 open reading frame 65; minus strand). Cytogenetic location: 11q22.3.
Variant type: single nucleotide variant.
Coding change: c.9014T>A on transcript NM_000051.4 (MANE Select); coding-DNA position 9014, T replaced by A.
Protein change: p.Val3005Glu; replaces valine 3005 with glutamic acid.
Molecular consequence: missense variant. On other transcripts: intron variant (2).
Genome position (GRCh38, 1-based): chr11:108,365,351, T>A. VCF-style: chr11-108365351-T-A. GRCh37 (hg19) VCF-style: chr11-108236078-T-A.
Other names: c.9014T>A, p.Val3005Glu (NM_001351834.2); c.640+20569A>T (NM_001330368.2); c.694+20569A>T (NM_001351110.2); short protein forms V3005E.
Identifiers: ClinVar variation 3966593 (VCV003966593.1).
Genomic context (GRCh38, chr11:108,365,351, plus strand): 5'-CACCTCACTGAAACCTTTGTGTTTTTGTCCTTAGTGATATTGACCAGAGTTTCAACAAAG[T>A]AGCTGAACGTGTCTTAATGAGACTACAAGAGAAACTGAAAGGAGTGGAAGAAGGCACTGT-3'
Protein context (NP_000042.3, residues 2995-3015): LSDIDQSFNK[Val3005Glu]AERVLMRLQE

ClinVar aggregate classification (germline): Uncertain significance (1 of 4 stars; one submission).

Conditions:
Hereditary cancer-predisposing syndrome. Also called: Neoplastic Syndromes, Hereditary; Tumor predisposition; Hereditary Cancer Syndrome; Hereditary neoplastic syndrome. Identifiers: Orphanet 140162, MedGen C0027672, MeSH D009386, MONDO:0015356.

Submission:

Ambry Genetics
Classification: Uncertain significance for Hereditary cancer-predisposing syndrome. Last evaluated: 2025-04-21. Review status: criteria provided, single submitter. Criteria: Ambry Variant Classification Scheme 2023. Collection method: clinical testing. Allele origin: germline.
Comment: The p.V3005E variant (also known as c.9014T>A), located in coding exon 62 of the ATM gene, results from a T to A substitution at nucleotide position 9014. The valine at codon 3005 is replaced by glutamic acid, an amino acid with dissimilar properties. This amino acid position is highly conserved in available vertebrate species. In addition, the in silico prediction for this alteration is inconclusive. Based on the available evidence, the clinical significance of this variant remains unclear.